The following is an entry in ClinVar:

NM_001161352.2(KCNMA1):c.629A>G (p.Tyr210Cys)

Gene: KCNMA1 (potassium calcium-activated channel subfamily M alpha 1; minus strand). Cytogenetic location: 10q22.3.
Variant type: single nucleotide variant.
Coding change: c.629A>G on transcript NM_001161352.2 (MANE Select); coding-DNA position 629, A replaced by G.
Protein change: p.Tyr210Cys; replaces tyrosine 210 with cysteine.
Molecular consequence: missense variant.
Genome position (GRCh38, 1-based): chr10:77,184,890, T>C on the plus strand (A>G on the coding strand, the complement: KCNMA1 is on the minus strand). VCF-style: chr10-77184890-T-C. GRCh37 (hg19) VCF-style: chr10-78944648-T-C.
Other names: c.629A>G, p.Tyr210Cys (NM_001014797.3, NM_001161353.2, NM_001271519.2 and 9 more transcripts); c.467A>G, p.Tyr156Cys (NM_001271518.2); c.89A>G, p.Tyr30Cys (NM_001322838.2); c.761A>G, p.Tyr254Cys (NM_001437422.1); short protein forms Y156C, Y210C, Y254C, Y30C.
Identifiers: ClinVar variation 4882535 (VCV004882535.2).
Genomic context (GRCh38, chr10:77,184,890, plus strand): 5'-CCGAAGTAGAGAAGGAAGAACACGTTGAAAGCCATGTCGATCTGTAATGTGAAATCTTTG[T>C]AGAAATTCTGGCAGGATTCTATTGGGCTATTAGACAGGAAGAAGAAAAAGCAAGAGGTAA-3'
Protein context (NP_001154824.1, residues 200-220): SNPIESCQNF[Tyr210Cys]KDFTLQIDMA

ClinVar aggregate classification (germline): Uncertain significance (1 of 4 stars; one submission).

gnomAD v4.1: 1 of 1,611,770 alleles (0.000062%); highest among the groups gnomAD compares: Non-Finnish European, 0.000085%; no homozygotes.

Submission:

Dasa
Classification: Uncertain significance. Last evaluated: 2025-10-29. Review status: criteria provided, single submitter. Criteria: DASA Assertion Criteria. Collection method: clinical testing. Allele origin: germline.
Comment: NM_001161352.2(KCNMA1):c.629A>G (p.Tyr210Cys) is a missense variant that results in the substitution of tyrosine with cysteine. This variant is rare in population databases. The currently available literature and clinical evidence are not sufficient to establish a definitive association between this variant and the reported condition. Therefore, this variant is classified as a variant of uncertain significance.